The following is an entry in ClinVar:

ClinVar aggregate classification (germline): Uncertain significance (1 of 4 stars; one submission).

Conditions:
Joubert syndrome 23 (JBTS23). Identifiers: Orphanet 475, MedGen C4084822, MONDO:0014664, OMIM 616490.
Short-rib thoracic dysplasia 14 with polydactyly (SRTD14). Identifiers: Orphanet 397715, MedGen C4225286, MONDO:0014688, OMIM 616546.

Submission:

Labcorp Genetics (formerly Invitae), Labcorp
Classification: Uncertain significance for Joubert syndrome 23; Short-rib thoracic dysplasia 14 with polydactyly. Last evaluated: 2022-08-21. Review status: criteria provided, single submitter. Criteria: Invitae Variant Classification Sherloc (09022015). Collection method: clinical testing. Allele origin: germline.
Comment: This variant has not been reported in the literature in individuals affected with KIAA0586-related conditions. This variant is not present in population databases (gnomAD no frequency). This sequence change replaces lysine, which is basic and polar, with glutamic acid, which is acidic and polar, at codon 1193 of the KIAA0586 protein (p.Lys1193Glu). Algorithms developed to predict the effect of missense changes on protein structure and function are either unavailable or do not agree on the potential impact of this missense change (SIFT: "Deleterious"; PolyPhen-2: "Probably Damaging"; Align-GVGD: "Class C0"). In summary, the available evidence is currently insufficient to determine the role of this variant in disease. Therefore, it has been classified as a Variant of Uncertain Significance.

NM_001329943.3(KIAA0586):c.3418A>G (p.Lys1140Glu)

Gene: KIAA0586 (KIAA0586; plus strand). Cytogenetic location: 14q23.1.
Variant type: single nucleotide variant.
Coding change: c.3418A>G on transcript NM_001329943.3 (MANE Select); coding-DNA position 3418, A replaced by G.
Protein change: p.Lys1140Glu; replaces lysine 1140 with glutamic acid.
Molecular consequence: missense variant.
Genome position (GRCh38, 1-based): chr14:58,488,000, A>G. VCF-style: chr14-58488000-A-G. GRCh37 (hg19) VCF-style: chr14-58954718-A-G.
Other names: c.3577A>G, p.Lys1193Glu (NM_001244189.2); c.3373A>G, p.Lys1125Glu (NM_001244190.2); c.3163A>G, p.Lys1055Glu (NM_001244191.2, NM_001329945.2, NM_001364700.1 and 1 more transcripts); c.3286A>G, p.Lys1096Glu (NM_001244192.2); c.2998A>G, p.Lys1000Glu (NM_001244193.2); c.3418A>G, p.Lys1140Glu (NM_001329944.2, NM_001329946.2, NM_001329947.2); c.3190A>G, p.Lys1064Glu (NM_014749.5); short protein forms K1000E, K1055E, K1064E, K1096E, K1125E, K1140E, K1193E.
Identifiers: ClinVar variation 1717392 (VCV001717392.5), dbSNP rs2543670393, ClinGen allele CA389881931.